The following is an entry in ClinVar:

NM_001042681.2(RERE):c.1306T>G (p.Tyr436Asp)

Gene: RERE (arginine-glutamic acid dipeptide repeats; minus strand). Cytogenetic location: 1p36.23.
Variant type: single nucleotide variant.
Coding change: c.1306T>G on transcript NM_001042681.2 (MANE Select); coding-DNA position 1306, T replaced by G.
Protein change: p.Tyr436Asp; replaces tyrosine 436 with aspartic acid.
Molecular consequence: missense variant. On other transcripts: 5 prime UTR variant (1).
Genome position (GRCh38, 1-based): chr1:8,365,953, A>C on the plus strand (T>G on the coding strand, the complement: RERE is on the minus strand). VCF-style: chr1-8365953-A-C. GRCh37 (hg19) VCF-style: chr1-8426013-A-C.
Other names: c.-357T>G (NM_001042682.2); c.1306T>G, p.Tyr436Asp (NM_012102.4); short protein forms Y436D.
Identifiers: ClinVar variation 4075328 (VCV004075328.1).

ClinVar aggregate classification (germline): Uncertain significance (1 of 4 stars; one submission).

Conditions:
Neurodevelopmental disorder with or without anomalies of the brain, eye, or heart (NEDBEH). Identifiers: Orphanet 494344, MedGen C5567477, MONDO:0014857, OMIM 616975.

Submission:

Daryl Scott Lab, Baylor College of Medicine
Classification: Uncertain significance for Neurodevelopmental disorder with or without anomalies of the brain, eye, or heart. Last evaluated: 2025-08-05. Review status: criteria provided, single submitter. Criteria: ACMG Guidelines, 2015. Collection method: clinical testing. Allele origin: unknown. Affected: yes. Observed: 1 heterozygote.
Comment: PM2, PP3